The following is an entry in ClinVar:

ClinVar aggregate classification (germline): Likely benign. Review status: criteria provided, single submitter (1 of 4 stars). 2 submissions from 2 submitters: Likely benign (1). 1 of the submissions does not count toward it. Last evaluated 2023-12-13.

Conditions:
FAM136A-related disorder. Also called: FAM136A-related condition.

Allele frequency attached by ClinVar (database versions not stated): gnomAD exomes 0.00019; 1000 Genomes Project 0.00160; 1000 Genomes Project 30x 0.00172; ExAC 0.00178; gnomAD 0.00238; TOPMed 0.00246.
gnomAD v4.1: 635 of 1,552,748 alleles (0.041%); highest among the groups gnomAD compares: African/African-American, 0.8%; 2 homozygotes.

Submissions (2):

Blueprint Genetics
Classification: Likely benign. Last evaluated: 2023-12-13. Review status: criteria provided, single submitter. Criteria: ACMG Guidelines, 2015. Collection method: clinical testing. Allele origin: germline.

PreventionGenetics, part of Exact Sciences
Classification: Benign for FAM136A-related condition. Last evaluated: 2020-05-15. Review status: no assertion criteria provided. Collection method: clinical testing. Allele origin: germline. Not counted in ClinVar's aggregate classification.
Comment: This variant is classified as benign based on ACMG/AMP sequence variant interpretation guidelines (Richards et al. 2015 PMID: 25741868, with internal and published modifications).

NM_001329752.2(TIMCC):c.161C>T (p.Ala54Val)

Gene: TIMCC (TIM double twin CX3C motif chaperone; minus strand). Cytogenetic location: 2p13.3.
Variant type: single nucleotide variant.
Coding change: c.161C>T on transcript NM_001329752.2 (MANE Select); coding-DNA position 161, C replaced by T.
Protein change: p.Ala54Val; replaces alanine 54 with valine.
Molecular consequence: missense variant. On other transcripts: intron variant (4).
Genome position (GRCh38, 1-based): chr2:70,301,851, G>A on the plus strand (C>T on the coding strand, the complement: TIMCC is on the minus strand). VCF-style: chr2-70301851-G-A. GRCh37 (hg19) VCF-style: chr2-70528983-G-A.
Other names: c.161C>T, p.Ala54Val (NM_001329753.2); c.87+74C>T (NM_032822.3); c.-89+74C>T (NM_001329758.2); c.-203+74C>T (NM_001329757.2); c.-630+74C>T (NM_001329755.2); short protein forms A54V.
Identifiers: ClinVar variation 3049056 (VCV003049056.3), dbSNP rs111492861, ClinGen allele CA1698571.